The following is an entry in ClinVar:

ClinVar aggregate classification (germline): Pathogenic (1 of 4 stars; one submission).

Conditions:
Developmental and epileptic encephalopathy, 23 (DEE23). Also called: Epileptic encephalopathy, early infantile, 23. Identifiers: Orphanet 411986, MedGen C4014492, MONDO:0014371, OMIM 615859.

Submission:

Labcorp Genetics (formerly Invitae), Labcorp
Classification: Pathogenic for Developmental and epileptic encephalopathy, 23. Last evaluated: 2023-07-25. Review status: criteria provided, single submitter. Criteria: Invitae Variant Classification Sherloc (09022015). Collection method: clinical testing. Allele origin: germline.
Comment: For these reasons, this variant has been classified as Pathogenic. This variant has not been reported in the literature in individuals affected with DOCK7-related conditions. This sequence change creates a premature translational stop signal (p.Met1381Asnfs*3) in the DOCK7 gene. It is expected to result in an absent or disrupted protein product. Loss-of-function variants in DOCK7 are known to be pathogenic (PMID: 24814191). This variant is not present in population databases (gnomAD no frequency).

Literature cited by the submitters: PubMed 24814191.

NM_001367561.1(DOCK7):c.4141dup (p.Met1381fs)

Gene: DOCK7 (dedicator of cytokinesis 7; minus strand). Cytogenetic location: 1p31.3.
Variant type: Duplication.
Coding change: c.4141dup on transcript NM_001367561.1 (MANE Select); coding-DNA position 4141, one base duplicated (A; older notation c.4141dupA).
Protein change: p.Met1381fs; shifts the reading frame from methionine 1381.
Molecular consequence: frameshift variant.
Genome position (GRCh38, 1-based): chr1:62,513,585, T duplicated on the plus strand (A on the coding strand, the reverse complement: DOCK7 is on the minus strand); the first of 2 consecutive T bases (chr1:62,513,585-62,513,586); duplicating either gives the same sequence. VCF-style (leftmost placement, unchanged base first): chr1-62513584-A-AT. GRCh37 (hg19) VCF-style: chr1-62979255-A-AT.
Other names: c.4048dup, p.Met1350fs (NM_033407.4, NM_001272000.2, NM_001272001.2); c.4141dup, p.Met1381fs (NM_001271999.2, NM_001330614.2); short protein forms M1350fs, M1381fs.
Identifiers: ClinVar variation 2746325 (VCV002746325.3), dbSNP rs2524387018, ClinGen allele CA2697552445.
Genomic context (GRCh38, chr1:62,513,584, plus strand): 5'-AGAATAGCTTCTTCAAGCTTTGCTCTCATGTCTTTTGATTTCTTAAAGGTCAAGCTATTC[A>AT]TTCGTTCAAACACTTTTTTCCCCTAAAATGTAAACATTAGAAGAGAAGAGGTATTGAGGA-3'